The following is an entry in ClinVar:

NM_000091.5(COL4A3):c.3148C>T (p.Gln1050Ter)

Genes: COL4A3 (collagen type IV alpha 3 chain; plus strand), MFF-DT (MFF divergent transcript; minus strand). Cytogenetic location: 2q36.3.
Variant type: single nucleotide variant.
Coding change: c.3148C>T on transcript NM_000091.5 (MANE Select); coding-DNA position 3148, C replaced by T.
Protein change: p.Gln1050Ter; replaces glutamine 1050 with a stop codon.
Molecular consequence: nonsense.
Genome position (GRCh38, 1-based): chr2:227,290,824, C>T. VCF-style: chr2-227290824-C-T. GRCh37 (hg19) VCF-style: chr2-228155540-C-T.
Other names: short protein forms Q1050*.
Identifiers: ClinVar variation 552548 (VCV000552548.10), dbSNP rs1553762279, ClinGen allele CA350855754.
Genomic context (GRCh38, chr2:227,290,824, plus strand): 5'-GGAACTTTGGGATTCCCAGGTCGAGCAGGAAGACCAGGCCTCCCAGGTATTCATGGTCTC[C>T]AGGGAGATAAGGGAGAGCCAGGTTATTCAGAAGGTACAAGGCCAGGACCACCGGGACCAA-3'

ClinVar aggregate classification (germline): Pathogenic. Review status: criteria provided, single submitter (1 of 4 stars). 2 submissions from 2 submitters: Pathogenic (1). 1 of the submissions does not count toward it. Last evaluated 2022-08-26.

Conditions:
Autosomal recessive Alport syndrome (ATS2). Also called: COL4A4 Alport Syndrome and Thin Basement Membrane Nephropathy; COL4A3-Related Nephropathy; ALPORT SYNDROME 2, AUTOSOMAL RECESSIVE; Alport syndrome type 2. Identifiers: Orphanet 63, Orphanet 88919, MedGen C4746745, MONDO:0008762, OMIM 203780.

Allele frequency attached by ClinVar (database versions not stated): TOPMed 0.00001.

Submissions (2):

Labcorp Genetics (formerly Invitae), Labcorp
Classification: Pathogenic. Last evaluated: 2022-08-26. Review status: criteria provided, single submitter. Criteria: Invitae Variant Classification Sherloc (09022015). Collection method: clinical testing. Allele origin: germline.
Comment: This sequence change creates a premature translational stop signal (p.Gln1050*) in the COL4A3 gene. It is expected to result in an absent or disrupted protein product. Loss-of-function variants in COL4A3 are known to be pathogenic (PMID: 8956999, 24854265, 26809805, 27281700). This variant is not present in population databases (gnomAD no frequency). This premature translational stop signal has been observed in individual(s) with Alport syndrome (PMID: 11134255). ClinVar contains an entry for this variant (Variation ID: 552548). Algorithms developed to predict the effect of sequence changes on RNA splicing suggest that this variant may disrupt the consensus splice site. For these reasons, this variant has been classified as Pathogenic.

Counsyl
Classification: Likely pathogenic for Autosomal recessive Alport syndrome. Last evaluated: 2017-06-15. Review status: no assertion criteria provided. Collection method: clinical testing. Allele origin: unknown. Not counted in ClinVar's aggregate classification.

Literature cited by the submitters: PubMed 8956999 (cited by Labcorp Genetics (formerly Invitae), Labcorp); PubMed 24854265 (cited by Labcorp Genetics (formerly Invitae), Labcorp); PubMed 26809805 (cited by Labcorp Genetics (formerly Invitae), Labcorp); PubMed 27281700 (cited by Labcorp Genetics (formerly Invitae), Labcorp); PubMed 11134255 (cited by Labcorp Genetics (formerly Invitae), Labcorp and Counsyl).